The following is an entry in ClinVar:

ClinVar aggregate classification (germline): Uncertain significance (1 of 4 stars; one submission).

Submission:

GeneDx
Classification: Uncertain significance. Last evaluated: 2019-09-06. Review status: criteria provided, single submitter. Criteria: GeneDx Variant Classification Process June 2021. Collection method: clinical testing. Allele origin: germline. Affected: yes.
Comment: Not observed in large population cohorts (Lek et al., 2016); In-silico analysis, which includes splice predictors and evolutionary conservation, is inconclusive as to whether the variant alters gene splicing. In the absence of RNA/functional studies, the actual effect of this sequence change is unknown.; Has not been previously published as pathogenic or benign to our knowledge

NM_000168.6(GLI3):c.1813-3C>G

Gene: GLI3 (GLI family zinc finger 3; minus strand). Cytogenetic location: 7p14.1.
Variant type: single nucleotide variant.
Coding change: c.1813-3C>G on transcript NM_000168.6 (MANE Select); 3 bases into the intron before coding-DNA position 1813, C replaced by G.
Molecular consequence: intron variant.
Genome position (GRCh38, 1-based): chr7:41,972,630, G>C on the plus strand (C>G on the coding strand, the complement: GLI3 is on the minus strand). VCF-style: chr7-41972630-G-C. GRCh37 (hg19) VCF-style: chr7-42012229-G-C.
Identifiers: ClinVar variation 1312188 (VCV001312188.2), dbSNP rs2128710047, ClinGen allele CA2573052875.